The following is an entry in ClinVar:

NM_003839.4(TNFRSF11A):c.1484A>T (p.Asp495Val)

Gene: TNFRSF11A (TNF receptor superfamily member 11a; plus strand). Cytogenetic location: 18q21.33.
Variant type: single nucleotide variant.
Coding change: c.1484A>T on transcript NM_003839.4 (MANE Select); coding-DNA position 1484, A replaced by T.
Protein change: p.Asp495Val; replaces aspartic acid 495 with valine.
Molecular consequence: missense variant. On other transcripts: intron variant (3).
Genome position (GRCh38, 1-based): chr18:62,369,401, A>T. VCF-style: chr18-62369401-A-T. GRCh37 (hg19) VCF-style: chr18-60036634-A-T.
Other names: c.1442A>T, p.Asp481Val (NM_001278268.2); c.783+2641A>T (NM_001270949.2); c.730+7608A>T (NM_001270950.2); c.616+9352A>T (NM_001270951.2); short protein forms D495V, D481V.
Identifiers: ClinVar variation 1423984 (VCV001423984.7), dbSNP rs370602534, ClinGen allele CA8983975.

ClinVar aggregate classification (germline): Uncertain significance (1 of 4 stars; one submission).

Allele frequency attached by ClinVar (database versions not stated): gnomAD exomes 0.00001; ExAC 0.00002; TOPMed 0.00004; gnomAD 0.00005; ESP Exome Variant Server 0.00009.
gnomAD v4.1: 38 of 1,611,594 alleles (0.0024%); highest among the groups gnomAD compares: Non-Finnish European, 0.0031%; no homozygotes.

Submission:

Labcorp Genetics (formerly Invitae), Labcorp
Classification: Uncertain significance. Last evaluated: 2025-09-06. Review status: criteria provided, single submitter. Criteria: Invitae Variant Classification Sherloc (09022015). Collection method: clinical testing. Allele origin: germline.
Comment: This sequence change replaces aspartic acid, which is acidic and polar, with valine, which is neutral and non-polar, at codon 495 of the TNFRSF11A protein (p.Asp495Val). This variant is present in population databases (rs370602534, gnomAD 0.009%). This variant has not been reported in the literature in individuals affected with TNFRSF11A-related conditions. ClinVar contains an entry for this variant (Variation ID: 1423984). An algorithm developed to predict the effect of missense changes on protein structure and function (PolyPhen-2) suggests that this variant is likely to be tolerated. In summary, the available evidence is currently insufficient to determine the role of this variant in disease. Therefore, it has been classified as a Variant of Uncertain Significance.